The following is an entry in ClinVar:

NM_024741.3(ZNF408):c.743A>G (p.Asp248Gly)

Gene: ZNF408 (zinc finger protein 408; plus strand). Cytogenetic location: 11p11.2.
Variant type: single nucleotide variant.
Coding change: c.743A>G on transcript NM_024741.3 (MANE Select); coding-DNA position 743, A replaced by G.
Protein change: p.Asp248Gly; replaces aspartic acid 248 with glycine.
Molecular consequence: missense variant.
Genome position (GRCh38, 1-based): chr11:46,704,443, A>G. VCF-style: chr11-46704443-A-G. GRCh37 (hg19) VCF-style: chr11-46725993-A-G.
Other names: c.719A>G, p.Asp240Gly (NM_001184751.2); short protein forms D240G, D248G.
Identifiers: ClinVar variation 836954 (VCV000836954.9), dbSNP rs146037342, ClinGen allele CA5966424.

ClinVar aggregate classification (germline): Conflicting classifications of pathogenicity. Review status: criteria provided, conflicting classifications (1 of 4 stars). 5 submissions from 5 submitters: Uncertain significance (3); Likely benign (1). 1 of the submissions does not count toward it. Last evaluated 2026-01-01.

Conditions:
Inborn genetic diseases. Identifiers: MedGen C0950123, MeSH D030342.

Allele frequency attached by ClinVar (database versions not stated): ExAC 0.00030; gnomAD exomes 0.00030 and 0.00087; gnomAD 0.00043 and 0.00046; ESP Exome Variant Server 0.00046; TOPMed 0.00052.

Submissions (5):

Labcorp Genetics (formerly Invitae), Labcorp
Classification: Uncertain significance. Last evaluated: 2026-01-01. Review status: criteria provided, single submitter. Criteria: Invitae Variant Classification Sherloc (09022015). Collection method: clinical testing. Allele origin: germline.
Comment: This sequence change replaces aspartic acid, which is acidic and polar, with glycine, which is neutral and non-polar, at codon 248 of the ZNF408 protein (p.Asp248Gly). This variant is present in population databases (rs146037342, gnomAD 0.06%). This variant has not been reported in the literature in individuals affected with ZNF408-related conditions. ClinVar contains an entry for this variant (Variation ID: 836954). An algorithm developed to predict the effect of missense changes on protein structure and function outputs the following: PolyPhen-2: "Benign". The glycine amino acid residue is found in multiple mammalian species, which suggests that this missense change does not adversely affect protein function. In summary, the available evidence is currently insufficient to determine the role of this variant in disease. Therefore, it has been classified as a Variant of Uncertain Significance.

Blueprint Genetics
Classification: Likely benign. Last evaluated: 2024-11-06. Review status: criteria provided, single submitter. Criteria: ACMG Guidelines, 2015. Collection method: clinical testing. Allele origin: germline.

Ambry Genetics
Classification: Uncertain significance for Inborn genetic diseases. Last evaluated: 2021-09-17. Review status: criteria provided, single submitter. Criteria: Ambry Variant Classification Scheme 2023. Collection method: clinical testing. Allele origin: germline.

Breakthrough Genomics
Classification: Uncertain significance. Review status: criteria provided, single submitter. Criteria: ACMG Guidelines, 2015. Collection method: not provided. Allele origin: germline. Inheritance: Autosomal recessive inheritance. Affected: yes.

Department of Pathology and Laboratory Medicine, Sinai Health System
Classification: Uncertain significance. Review status: no assertion criteria provided. Collection method: clinical testing. Allele origin: unknown. Affected: yes. Study: The Canadian Open Genetics Repository (COGR). Not counted in ClinVar's aggregate classification.
Comment: The ZNF408 p.Asp240Gly variant was not identified in the literature nor was it identified in ClinVar. The variant was identified in dbSNP (ID: rs146037342) and in control databases in 90 of 282742 chromosomes at a frequency of 0.0003183 (Genome Aggregation Database March 6, 2019, v2.1.1). The variant was observed in the following populations: European (non-Finnish) in 86 of 129096 chromosomes (freq: 0.000666), Other in 3 of 7218 chromosomes (freq: 0.000416) and Latino in 1 of 35412 chromosomes (freq: 0.000028), but was not observed in the African, Ashkenazi Jewish, East Asian, European (Finnish), or South Asian populations. The p.Asp240 residue is not conserved in mammals and computational analyses (PolyPhen-2, SIFT, AlignGVGD, BLOSUM, MutationTaster) provide inconsistent predictions regarding the impact to the protein; this information is not very predictive of pathogenicity. The variant occurs outside of the splicing consensus sequence and three of four in silico or computational prediction software programs (SpliceSiteFinder, MaxEntScan, NNSPLICE, GeneSplicer) do not predict a difference in splicing. In summary, based on the above information the clinical significance of this variant cannot be determined with certainty at this time. This variant is classified as a variant of uncertain significance.